The following is an entry in ClinVar:

ClinVar aggregate classification (germline): Uncertain significance (1 of 4 stars; one submission).

Conditions:
Cardiovascular phenotype. Identifiers: MedGen CN230736.

Allele frequency attached by ClinVar (database versions not stated): TOPMed below 0.00001; ExAC 0.00001; gnomAD 0.00001.
gnomAD v4.1: 10 of 1,609,056 alleles (0.00062%); highest among the groups gnomAD compares: South Asian, 0.0011%; no homozygotes.

Submission:

Ambry Genetics
Classification: Uncertain significance for Cardiovascular phenotype. Last evaluated: 2022-05-27. Review status: criteria provided, single submitter. Criteria: Ambry Variant Classification Scheme 2023. Collection method: clinical testing. Allele origin: germline.
Comment: The p.A366V variant (also known as c.1097C>T), located in coding exon 8 of the LMF1 gene, results from a C to T substitution at nucleotide position 1097. The alanine at codon 366 is replaced by valine, an amino acid with similar properties. This amino acid position is conserved. In addition, this alteration is predicted to be tolerated by in silico analysis. Since supporting evidence is limited at this time, the clinical significance of this alteration remains unclear.

NM_022773.4(LMF1):c.1097C>T (p.Ala366Val)

Gene: LMF1 (lipase maturation factor 1; minus strand). Cytogenetic location: 16p13.3.
Variant type: single nucleotide variant.
Coding change: c.1097C>T on transcript NM_022773.4 (MANE Select); coding-DNA position 1097, C replaced by T.
Protein change: p.Ala366Val; replaces alanine 366 with valine.
Molecular consequence: missense variant. On other transcripts: non-coding transcript variant (1).
Genome position (GRCh38, 1-based): chr16:870,864, G>A on the plus strand (C>T on the coding strand, the complement: LMF1 is on the minus strand). VCF-style: chr16-870864-G-A. GRCh37 (hg19) VCF-style: chr16-920864-G-A.
Other names: c.446C>T, p.Ala149Val (NM_001352017.2, NM_001352021.2); c.698C>T, p.Ala233Val (NM_001352018.2); c.770C>T, p.Ala257Val (NM_001352019.2); c.1097C>T, p.Ala366Val (NM_001352020.1); short protein forms A233V, A257V, A366V, A149V.
Identifiers: ClinVar variation 1790969 (VCV001790969.2), dbSNP rs754783431, ClinGen allele CA7797182.
Genomic context (GRCh38, chr16:870,864, plus strand): 5'-AAGTTGAGGACCACGGGCACGCTGAGCCAGGCCAGCAGGACGCCCAGCGAGACGTTGGCT[G>A]CACGCCGCACCACGGAGCCTGGCAGGGGAGTGACATCTTCCAGGTGGGGCTCCCAGCTGC-3'
Protein context (NP_073610.2, residues 356-376): EPRFGSVVRR[Ala366Val]ANVSLGVLLA